The following is an entry in ClinVar:

ClinVar aggregate classification (germline): Uncertain significance (1 of 4 stars; one submission).

Allele frequency attached by ClinVar (database versions not stated): gnomAD 0.00001; TOPMed 0.00001.
gnomAD v4.1: 1 of 1,575,282 alleles (0.000063%); highest among the groups gnomAD compares: Admixed American, 0.0019%; no homozygotes.

Submission:

Labcorp Genetics (formerly Invitae), Labcorp
Classification: Uncertain significance. Last evaluated: 2024-10-15. Review status: criteria provided, single submitter. Criteria: Invitae Variant Classification Sherloc (09022015). Collection method: clinical testing. Allele origin: germline.
Comment: This sequence change replaces histidine, which is basic and polar, with leucine, which is neutral and non-polar, at codon 854 of the BRD4 protein (p.His854Leu). This variant is not present in population databases (gnomAD no frequency). This variant has not been reported in the literature in individuals affected with BRD4-related conditions. ClinVar contains an entry for this variant (Variation ID: 2104274). An algorithm developed to predict the effect of missense changes on protein structure and function (PolyPhen-2) suggests that this variant is likely to be tolerated. In summary, the available evidence is currently insufficient to determine the role of this variant in disease. Therefore, it has been classified as a Variant of Uncertain Significance.

NM_001379291.1(BRD4):c.2561A>T (p.His854Leu)

Gene: BRD4 (bromodomain containing 4; minus strand). Cytogenetic location: 19p13.12.
Variant type: single nucleotide variant.
Coding change: c.2561A>T on transcript NM_001379291.1 (MANE Select); coding-DNA position 2561, A replaced by T.
Protein change: p.His854Leu; replaces histidine 854 with leucine.
Molecular consequence: missense variant.
Genome position (GRCh38, 1-based): chr19:15,244,251, T>A on the plus strand (A>T on the coding strand, the complement: BRD4 is on the minus strand). VCF-style: chr19-15244251-T-A. GRCh37 (hg19) VCF-style: chr19-15355062-T-A.
Other names: c.2561A>T, p.His854Leu (NM_058243.3); short protein forms H854L.
Identifiers: ClinVar variation 2104274 (VCV002104274.4), dbSNP rs1255681174, ClinGen allele CA404506803.